The following is an entry in ClinVar:

ClinVar aggregate classification (germline): Likely benign. Review status: criteria provided, multiple submitters, no conflicts (2 of 4 stars). 2 submissions from 2 submitters: Likely benign (2). Last evaluated 2023-09-01.

Allele frequency attached by ClinVar (database versions not stated): TOPMed below 0.00001; gnomAD 0.00001.
gnomAD v4.1: 1 of 1,204,675 alleles (0.000083%); highest among the groups gnomAD compares: African/African-American, 0.0017%; no homozygotes.

Submissions (2):

Women's Health and Genetics/Laboratory Corporation of America, LabCorp
Classification: Likely benign. Last evaluated: 2023-09-01. Review status: criteria provided, single submitter. Criteria: LabCorp Variant Classification Summary - May 2015. Collection method: clinical testing. Allele origin: germline.
Comment: Variant summary: RBM10 c.2668-11C>T alters a non-conserved nucleotide located at a position not widely known to affect splicing. Consensus agreement among computation tools predict no significant impact on normal splicing. However, these predictions have yet to be confirmed by functional studies. The variant was absent in 164667 control chromosomes. The available data on variant occurrences in the general population are insufficient to allow any conclusion about variant significance. To our knowledge, no occurrence of c.2668-11C>T in individuals affected with TARP Syndrome and no experimental evidence demonstrating its impact on protein function have been reported. No submitters have cited clinical-significance assessments for this variant to ClinVar after 2014. Based on the evidence outlined above, the variant was classified as likely benign.

Labcorp Genetics (formerly Invitae), Labcorp
Classification: Likely benign. Last evaluated: 2023-04-09. Review status: criteria provided, single submitter. Criteria: Invitae Variant Classification Sherloc (09022015). Collection method: clinical testing. Allele origin: germline.

NM_005676.5(RBM10):c.2668-11C>T

Gene: RBM10 (RNA binding motif protein 10; plus strand). Cytogenetic location: Xp11.3.
Variant type: single nucleotide variant.
Coding change: c.2668-11C>T on transcript NM_005676.5 (MANE Select); 11 bases into the intron before coding-DNA position 2668, C replaced by T.
Molecular consequence: intron variant.
Genome position (GRCh38, 1-based): chrX:47,186,463, C>T. VCF-style: chrX-47186463-C-T. GRCh37 (hg19) VCF-style: chrX-47045862-C-T.
Other names: c.2863-11C>T (NM_001204468.2); c.2665-11C>T (NM_001204467.2); c.2437-11C>T (NM_001204466.2); c.2434-11C>T (NM_152856.3).
Identifiers: ClinVar variation 2627221 (VCV002627221.4), dbSNP rs1307812601, ClinGen allele CA875806383.